The following is an entry in ClinVar:

ClinVar aggregate classification (germline): Likely benign (0 of 4 stars; one submission).

Conditions:
TSHZ1-related disorder. Also called: TSHZ1-related condition.

Allele frequency attached by ClinVar (database versions not stated): ESP Exome Variant Server 0.00008; gnomAD 0.00008; TOPMed 0.00017; ExAC 0.00022.
gnomAD v4.1: 117 of 1,613,074 alleles (0.0073%); highest among the groups gnomAD compares: Admixed American, 0.14%; no homozygotes.

Submission:

PreventionGenetics, part of Exact Sciences
Classification: Likely benign for TSHZ1-related condition. Last evaluated: 2022-10-22. Review status: no assertion criteria provided. Collection method: clinical testing. Allele origin: germline.
Comment: This variant is classified as likely benign based on ACMG/AMP sequence variant interpretation guidelines (Richards et al. 2015 PMID: 25741868, with internal and published modifications).

NM_001308210.2(TSHZ1):c.726C>T (p.Gly242=)

Gene: TSHZ1 (teashirt zinc finger homeobox 1; plus strand). Cytogenetic location: 18q22.3.
Variant type: single nucleotide variant.
Coding change: c.726C>T on transcript NM_001308210.2 (MANE Select); coding-DNA position 726, C replaced by T.
Protein change: p.Gly242=; no amino-acid change (glycine 242 retained).
Molecular consequence: synonymous variant.
Genome position (GRCh38, 1-based): chr18:75,286,133, C>T. VCF-style: chr18-75286133-C-T. GRCh37 (hg19) VCF-style: chr18-72998088-C-T.
Other names: c.591C>T, p.Gly197= (NM_005786.6).
Identifiers: ClinVar variation 3045105 (VCV003045105.2), dbSNP rs373968717, ClinGen allele CA9001893.